The following is an entry in ClinVar:

NM_000170.3(GLDC):c.2230G>A (p.Gly744Arg)

Gene: GLDC (glycine decarboxylase; minus strand). Cytogenetic location: 9p24.1.
Variant type: single nucleotide variant.
Coding change: c.2230G>A on transcript NM_000170.3 (MANE Select); coding-DNA position 2230, G replaced by A.
Protein change: p.Gly744Arg; replaces glycine 744 with arginine.
Molecular consequence: missense variant.
Genome position (GRCh38, 1-based): chr9:6,554,754, C>T on the plus strand (G>A on the coding strand, the complement: GLDC is on the minus strand). VCF-style: chr9-6554754-C-T. GRCh37 (hg19) VCF-style: chr9-6554754-C-T.
Other names: p.Gly744Arg; short protein forms G744R.
Identifiers: ClinVar variation 665488 (VCV000665488.17), dbSNP rs370061961, ClinGen allele CA4980323.

ClinVar aggregate classification (germline): Uncertain significance. Review status: criteria provided, multiple submitters, no conflicts (2 of 4 stars). 11 submissions from 11 submitters: Uncertain significance (10). 1 of the submissions does not count toward it. Last evaluated 2026-01-20.

Conditions:
Glycine encephalopathy 1 (GCE1). Identifiers: MedGen CN376801, MONDO:0958179, OMIM 605899.
Inborn genetic diseases. Identifiers: MedGen C0950123, MeSH D030342.
GLDC-related disorder. Also called: GLDC-related condition.
Glycine encephalopathy. Also called: Nonketotic hyperglycinemia; Non-ketotic hyperglycinemia. Identifiers: Orphanet 407, MedGen C0751748, MONDO:0011612, HP:0008288.

Allele frequency attached by ClinVar (database versions not stated): ESP Exome Variant Server 0.00008; gnomAD exomes 0.00008 and 0.00012; gnomAD 0.00010; TOPMed 0.00015.
gnomAD v4.1: 203 of 1,613,240 alleles (0.013%); highest among the groups gnomAD compares: Middle Eastern, 0.084%; no homozygotes.

Submissions (11):

Dasa
Classification: Uncertain significance. Last evaluated: 2026-01-20. Review status: criteria provided, single submitter. Criteria: DASA Assertion Criteria. Collection method: clinical testing. Allele origin: germline.
Comment: NM_000170.3(GLDC):c.2230G>A (p.Gly744Arg) is a missense variant that results in the substitution of glycine with arginine. The affected residue or protein region has prior evidence supporting clinical relevance. This variant is rare in population databases. Computational prediction algorithms are consistent with a deleterious effect. The currently available literature and clinical evidence are not sufficient to establish a definitive association between this variant and the reported condition. Therefore, this variant is classified as a variant of uncertain significance.

Ambry Genetics
Classification: Uncertain significance for Inborn genetic diseases. Last evaluated: 2025-09-03. Review status: criteria provided, single submitter. Criteria: Ambry Variant Classification Scheme 2023. Collection method: clinical testing. Allele origin: germline.
Comment: The c.2230G>A (p.G744R) alteration is located in exon 19 (coding exon 19) of the GLDC gene. This alteration results from a G to A substitution at nucleotide position 2230, causing the glycine (G) at amino acid position 744 to be replaced by an arginine (R). Based on data from gnomAD, this allele has an overall frequency of 0.008% (22/281010) total alleles studied. The highest observed frequency was 0.014% (1/7168) of Other alleles. This alteration is predicted to be deleterious by in silico analysis. Based on insufficient or conflicting evidence, the clinical significance of this alteration remains unclear.

Mayo Clinic Laboratories, Mayo Clinic
Classification: Uncertain significance. Last evaluated: 2025-09-03. Review status: criteria provided, single submitter. Criteria: ACMG Guidelines, 2015. Collection method: clinical testing. Allele origin: germline. Observed: 1 variant allele.
Comment: PP3_strong, PM2_supporting

Women's Health and Genetics/Laboratory Corporation of America, LabCorp
Classification: Uncertain significance. Last evaluated: 2025-03-06. Review status: criteria provided, single submitter. Criteria: LabCorp Variant Classification Summary - May 2015. Collection method: clinical testing. Allele origin: germline.
Comment: Variant summary: GLDC c.2230G>A (p.Gly744Arg) results in a non-conservative amino acid change in the encoded protein sequence. Five of five in-silico tools predict a damaging effect of the variant on protein function. The variant allele was found at a frequency of 8e-05 in 249608 control chromosomes. This frequency is not significantly higher than estimated for a pathogenic variant in GLDC causing Glycine Encephalopathy (Non-Ketotic Hyperglycinemia) (8e-05 vs 0.0031), allowing no conclusion about variant significance. To our knowledge, no occurrence of c.2230G>A in individuals affected with Glycine Encephalopathy (Non-Ketotic Hyperglycinemia) and no experimental evidence demonstrating its impact on protein function have been reported. ClinVar contains an entry for this variant (Variation ID: 665488). Based on the evidence outlined above, the variant was classified as uncertain significance.

PreventionGenetics, part of Exact Sciences
Classification: Uncertain significance for GLDC-related condition. Last evaluated: 2025-01-09. Review status: criteria provided, single submitter. Criteria: ACMG Guidelines, 2015. Collection method: clinical testing. Allele origin: germline.
Comment: The GLDC c.2230G>A variant is predicted to result in the amino acid substitution p.Gly744Arg. To our knowledge, this variant has not been reported in the literature. This variant is reported in 0.012% of alleles in individuals of European (Non-Finnish) descent in gnomAD. At this time, the clinical significance of this variant is uncertain due to the absence of conclusive functional and genetic evidence.

GeneDx
Classification: Uncertain significance. Last evaluated: 2024-11-07. Review status: criteria provided, single submitter. Criteria: GeneDx Variant Classification Process June 2021. Collection method: clinical testing. Allele origin: germline. Affected: yes.
Comment: In silico analysis supports that this missense variant has a deleterious effect on protein structure/function; Has not been previously published as pathogenic or benign to our knowledge

Blueprint Genetics
Classification: Uncertain significance. Last evaluated: 2024-09-17. Review status: criteria provided, single submitter. Criteria: ACMG Guidelines, 2015. Collection method: clinical testing. Allele origin: germline.

Labcorp Genetics (formerly Invitae), Labcorp
Classification: Uncertain significance for Glycine encephalopathy. Last evaluated: 2022-10-24. Review status: criteria provided, single submitter. Criteria: Invitae Variant Classification Sherloc (09022015). Collection method: clinical testing. Allele origin: germline.
Comment: This sequence change replaces glycine, which is neutral and non-polar, with arginine, which is basic and polar, at codon 744 of the GLDC protein (p.Gly744Arg). This variant is present in population databases (rs370061961, gnomAD 0.01%). This variant has not been reported in the literature in individuals affected with GLDC-related conditions. ClinVar contains an entry for this variant (Variation ID: 665488). Advanced modeling of protein sequence and biophysical properties (such as structural, functional, and spatial information, amino acid conservation, physicochemical variation, residue mobility, and thermodynamic stability) performed at Invitae indicates that this missense variant is expected to disrupt GLDC protein function. In summary, the available evidence is currently insufficient to determine the role of this variant in disease. Therefore, it has been classified as a Variant of Uncertain Significance.

Illumina Laboratory Services, Illumina
Classification: Uncertain significance for Glycine encephalopathy 1. Last evaluated: 2018-01-12. Review status: criteria provided, single submitter. Criteria: ICSL Variant Classification Criteria 13 December 2019. Collection method: clinical testing. Allele origin: germline.

Juno Genomics, Hangzhou Juno Genomics, Inc
Classification: Uncertain significance for Glycine encephalopathy 1. Review status: criteria provided, single submitter. Criteria: ACMG Guidelines, 2015. Collection method: clinical testing. Allele origin: germline.
Comment: Absent from controls (or at extremely low frequency if recessive) in Genome Aggregation Database.;Multiple lines of computational evidence support a deleterious effect on the gene or gene product.

Natera, Inc.
Classification: Uncertain significance for Non-ketotic hyperglycinemia. Last evaluated: 2020-09-16. Review status: no assertion criteria provided. Collection method: clinical testing. Allele origin: germline. Not counted in ClinVar's aggregate classification.